The following is an entry in ClinVar:

ClinVar aggregate classification (germline): Uncertain significance (1 of 4 stars; one submission).

Allele frequency attached by ClinVar (database versions not stated): ExAC 0.00001.
gnomAD v4.1: 1 of 1,205,604 alleles (0.000083%); highest among the groups gnomAD compares: East Asian, 0.003%; no homozygotes.

Submission:

Labcorp Genetics (formerly Invitae), Labcorp
Classification: Uncertain significance. Last evaluated: 2022-01-21. Review status: criteria provided, single submitter. Criteria: Invitae Variant Classification Sherloc (09022015). Collection method: clinical testing. Allele origin: germline.
Comment: In summary, the available evidence is currently insufficient to determine the role of this variant in disease. Therefore, it has been classified as a Variant of Uncertain Significance. Algorithms developed to predict the effect of missense changes on protein structure and function are either unavailable or do not agree on the potential impact of this missense change (SIFT: "Deleterious"; PolyPhen-2: "Possibly Damaging"; Align-GVGD: "Class C0"). This variant has not been reported in the literature in individuals affected with NEXMIF-related conditions. This variant is present in population databases (rs751512604, gnomAD 0.008%). This sequence change replaces alanine, which is neutral and non-polar, with valine, which is neutral and non-polar, at codon 43 of the NEXMIF protein (p.Ala43Val).

NM_001008537.3(NEXMIF):c.128C>T (p.Ala43Val)

Gene: NEXMIF (neurite extension and migration factor; minus strand). Cytogenetic location: Xq13.3.
Variant type: single nucleotide variant.
Coding change: c.128C>T on transcript NM_001008537.3 (MANE Select); coding-DNA position 128, C replaced by T.
Protein change: p.Ala43Val; replaces alanine 43 with valine.
Molecular consequence: missense variant.
Genome position (GRCh38, 1-based): chrX:74,744,429, G>A on the plus strand (C>T on the coding strand, the complement: NEXMIF is on the minus strand). VCF-style: chrX-74744429-G-A. GRCh37 (hg19) VCF-style: chrX-73964264-G-A.
Other names: short protein forms A43V.
Identifiers: ClinVar variation 2088624 (VCV002088624.4), dbSNP rs751512604, ClinGen allele CA10455253.